The following is an entry in ClinVar:

NM_001267550.2(TTN):c.20738del (p.Gln6913fs)

Gene: TTN (titin; minus strand). Cytogenetic location: 2q31.2.
Variant type: Deletion.
Coding change: c.20738del on transcript NM_001267550.2 (MANE Select); coding-DNA position 20738, one base deleted (A; older notation c.20738delA).
Protein change: p.Gln6913fs; shifts the reading frame from glutamine 6913.
Molecular consequence: frameshift variant. On other transcripts: intron variant (3).
Genome position (GRCh38, 1-based): chr2:178,725,466, T deleted on the plus strand (A on the coding strand, the reverse complement: TTN is on the minus strand). VCF-style (leftmost placement, unchanged base first): chr2-178725465-CT-C. GRCh37 (hg19) VCF-style: chr2-179590192-CT-C.
Other names: c.19787del, p.Gln6596fs (NM_001256850.1); c.17006del, p.Gln5669fs (NM_133378.4); c.13282+12616del (NM_003319.4); c.13858+12616del (NM_133437.4); c.13657+12616del (NM_133432.3); short protein forms Q5669fs, Q6596fs, Q6913fs.
Identifiers: ClinVar variation 1053394 (VCV001053394.12), dbSNP rs2154304293, ClinGen allele CA2499215483.

ClinVar aggregate classification (germline): Likely pathogenic (1 of 4 stars; one submission).

Conditions:
Dilated cardiomyopathy 1G (CMD1G). Identifiers: Orphanet 154, MedGen C1858763, MONDO:0011400, OMIM 604145.
Autosomal recessive limb-girdle muscular dystrophy type 2J (LGMDR10). Also called: Limb-girdle muscular dystrophy, type 2J; MUSCULAR DYSTROPHY, LIMB-GIRDLE, AUTOSOMAL RECESSIVE 10. Identifiers: Orphanet 140922, MedGen C1837342, MONDO:0012127, OMIM 608807.

Submission:

Labcorp Genetics (formerly Invitae), Labcorp
Classification: Likely pathogenic for Dilated cardiomyopathy 1G; Autosomal recessive limb-girdle muscular dystrophy type 2J. Last evaluated: 2024-10-18. Review status: criteria provided, single submitter. Criteria: Invitae Variant Classification Sherloc (09022015). Collection method: clinical testing. Allele origin: germline.
Comment: This sequence change creates a premature translational stop signal (p.Gln6913Argfs*23) in the TTN gene. While this is not anticipated to result in nonsense mediated decay, it is expected to create a truncated TTN protein. This variant is not present in population databases (gnomAD no frequency). This variant has not been reported in the literature in individuals affected with TTN-related conditions. ClinVar contains an entry for this variant (Variation ID: 1053394). This variant is located in the I band of TTN (PMID: 25589632). Truncating variants in this region have been reported in individuals affected with autosomal recessive centronuclear myopathy (PMID: 23975875, internal data). Truncating variants in this region have also been identified in individuals affected with autosomal dominant dilated cardiomyopathy and/or cardio-related conditions (PMID: 27869827, 32964742, internal data). In summary, the currently available evidence indicates that the variant is pathogenic, but additional data are needed to prove that conclusively. Therefore, this variant has been classified as Likely Pathogenic.

Literature cited by the submitters: PubMed 25589632; PubMed 23975875; PubMed 27869827; PubMed 32964742.